The following is an entry in ClinVar:

NM_000168.6(GLI3):c.3118G>A (p.Glu1040Lys)

Gene: GLI3 (GLI family zinc finger 3; minus strand). Cytogenetic location: 7p14.1.
Variant type: single nucleotide variant.
Coding change: c.3118G>A on transcript NM_000168.6 (MANE Select); coding-DNA position 3118, G replaced by A.
Protein change: p.Glu1040Lys; replaces glutamic acid 1040 with lysine.
Molecular consequence: missense variant.
Genome position (GRCh38, 1-based): chr7:41,965,955, C>T on the plus strand (G>A on the coding strand, the complement: GLI3 is on the minus strand). VCF-style: chr7-41965955-C-T. GRCh37 (hg19) VCF-style: chr7-42005553-C-T.
Other names: short protein forms E1040K.
Identifiers: ClinVar variation 265182 (VCV000265182.11), dbSNP rs772839719, ClinGen allele CA4230443.

ClinVar aggregate classification (germline): Conflicting classifications of pathogenicity. Review status: criteria provided, conflicting classifications (1 of 4 stars). 6 submissions from 5 submitters: Uncertain significance (5); Likely benign (1). Last evaluated 2024-11-04.

Conditions:
Polydactyly. Also called: polydactylism. Identifiers: MedGen C0152427, MONDO:0021003, OMIM 603596, HP:0010442.
Pallister-Hall syndrome (PHS). Also called: GLI3-Related Pallister-Hall Syndrome; HYPOTHALAMIC HAMARTOBLASTOMA, HYPOPITUITARISM, IMPERFORATE ANUS, AND POSTAXIAL POLYDACTYLY. Identifiers: Orphanet 672, MedGen C0265220, MONDO:0007804, OMIM 146510.
Greig cephalopolysyndactyly syndrome (GCPS). Also called: GLI3-Related Greig Cephalopolysyndactyly Syndrome; Greig syndrome; POLYSYNDACTYLY WITH PECULIAR SKULL SHAPE. Identifiers: Orphanet 380, MedGen C0265306, MONDO:0008287, OMIM 175700.
Polydactyly, postaxial, type A1. Identifiers: MedGen C4282400, MONDO:0008266, OMIM 174200.
Polysyndactyly 4. Also called: Polysyndactyly uncomplicated; Preaxial polydactyly 4. Identifiers: Orphanet 93338, MedGen C1868111, MONDO:0008272, OMIM 174700.
Congenital hypothalamic hamartoma syndrome. Also called: PALLISTER-HALL-LIKE SYNDROME. Identifiers: MedGen C5435677, MONDO:0009436, OMIM 241800.

Allele frequency attached by ClinVar (database versions not stated): gnomAD exomes below 0.00001 and 0.00001; ExAC 0.00001.
gnomAD v4.1: 8 of 1,611,268 alleles (0.0005%); highest among the groups gnomAD compares: South Asian, 0.0033%; no homozygotes.

Submissions (6):

Blueprint Genetics
Classification: Uncertain significance. Last evaluated: 2024-11-04. Review status: criteria provided, single submitter. Criteria: ACMG Guidelines, 2015. Collection method: clinical testing. Allele origin: germline.

Labcorp Genetics (formerly Invitae), Labcorp
Classification: Likely benign for Pallister-Hall syndrome; Greig cephalopolysyndactyly syndrome. Last evaluated: 2024-04-30. Review status: criteria provided, single submitter. Criteria: Invitae Variant Classification Sherloc (09022015). Collection method: clinical testing. Allele origin: germline.

Fulgent Genetics
Classification: Uncertain significance for Pallister-Hall syndrome; Polydactyly, postaxial, type A1; Polysyndactyly 4; Greig cephalopolysyndactyly syndrome; Congenital hypothalamic hamartoma syndrome. Last evaluated: 2018-10-31. Review status: criteria provided, single submitter. Criteria: ACMG Guidelines, 2015. Collection method: clinical testing. Allele origin: unknown.

Illumina Laboratory Services, Illumina
Classification: Uncertain significance for Greig cephalopolysyndactyly syndrome. Last evaluated: 2018-01-13. Review status: criteria provided, single submitter. Criteria: ICSL Variant Classification Criteria 13 December 2019. Collection method: clinical testing. Allele origin: germline.

Illumina Laboratory Services, Illumina
Classification: Uncertain significance for Polydactyly. Last evaluated: 2018-01-13. Review status: criteria provided, single submitter. Criteria: ICSL Variant Classification Criteria 13 December 2019. Collection method: clinical testing. Allele origin: germline.

GeneDx
Classification: Uncertain significance. Last evaluated: 2015-04-30. Review status: criteria provided, single submitter. Criteria: GeneDx Variant Classification (06012015). Collection method: clinical testing. Allele origin: germline. Affected: yes.
Comment: The E1040K variant has not been published as a pathogenic variant, nor has it been reported as a benign polymorphism to our knowledge. The E1040K variant is a non-conservative amino acid substitution, which is likely to impact secondary protein structure as these residues differ in polarity, charge, size and/or other properties. This substitution occurs at a position that is conserved across species and in silico analysis predicts this variant is probably damaging to the protein structure/function. However, no other missense variants have been reported nearby according to the Human Gene Mutation Database (Stenson et al., 2014). Therefore, based on the currently available information, it is unclear whether this variant is a pathogenic variant or a rare benign variant.